The following is an entry in ClinVar:

NM_003906.5(MCM3AP):c.1114A>G (p.Ser372Gly)

Gene: MCM3AP (minichromosome maintenance complex component 3 associated protein; minus strand). Cytogenetic location: 21q22.3.
Variant type: single nucleotide variant.
Coding change: c.1114A>G on transcript NM_003906.5 (MANE Select); coding-DNA position 1114, A replaced by G.
Protein change: p.Ser372Gly; replaces serine 372 with glycine.
Molecular consequence: missense variant.
Genome position (GRCh38, 1-based): chr21:46,284,173, T>C on the plus strand (A>G on the coding strand, the complement: MCM3AP is on the minus strand). VCF-style: chr21-46284173-T-C. GRCh37 (hg19) VCF-style: chr21-47704087-T-C.
Other names: c.1114A>G (NM_003906.3); short protein forms S372G.
Identifiers: ClinVar variation 1939174 (VCV001939174.6), dbSNP rs760419273, ClinGen allele CA10077191.

ClinVar aggregate classification (germline): Uncertain significance. Review status: criteria provided, multiple submitters, no conflicts (2 of 4 stars). 2 submissions from 2 submitters: Uncertain significance (2). Last evaluated 2024-03-25.

Conditions:
Inborn genetic diseases. Identifiers: MedGen C0950123, MeSH D030342.

Allele frequency attached by ClinVar (database versions not stated): ExAC 0.00002; gnomAD 0.00002; gnomAD exomes 0.00004.
gnomAD v4.1: 67 of 1,614,142 alleles (0.0042%); highest among the groups gnomAD compares: Non-Finnish European, 0.0056%; no homozygotes.

Submissions (2):

Ambry Genetics
Classification: Uncertain significance for Inborn genetic diseases. Last evaluated: 2024-03-25. Review status: criteria provided, single submitter. Criteria: Ambry Variant Classification Scheme 2023. Collection method: clinical testing. Allele origin: germline.

Labcorp Genetics (formerly Invitae), Labcorp
Classification: Uncertain significance. Last evaluated: 2022-05-18. Review status: criteria provided, single submitter. Criteria: Invitae Variant Classification Sherloc (09022015). Collection method: clinical testing. Allele origin: germline.
Comment: In summary, the available evidence is currently insufficient to determine the role of this variant in disease. Therefore, it has been classified as a Variant of Uncertain Significance. This sequence change replaces serine, which is neutral and polar, with glycine, which is neutral and non-polar, at codon 372 of the MCM3AP protein (p.Ser372Gly). This variant is present in population databases (rs760419273, gnomAD 0.002%). This variant has not been reported in the literature in individuals affected with MCM3AP-related conditions. Algorithms developed to predict the effect of missense changes on protein structure and function (SIFT, PolyPhen-2, Align-GVGD) all suggest that this variant is likely to be tolerated.